The following is an entry in ClinVar:

ClinVar aggregate classification (germline): Uncertain significance. Review status: criteria provided, multiple submitters, no conflicts (2 of 4 stars). 3 submissions from 3 submitters: Uncertain significance (3). Last evaluated 2023-05-07.

Conditions:
Developmental and epileptic encephalopathy, 12 (DEE12). Identifiers: MedGen C3150988, MONDO:0013389, OMIM 613722.

Allele frequency attached by ClinVar (database versions not stated): gnomAD 0.00001; gnomAD exomes 0.00001; ExAC 0.00002; TOPMed 0.00003.
gnomAD v4.1: 20 of 1,613,962 alleles (0.0012%); highest among the groups gnomAD compares: Admixed American, 0.0033%; no homozygotes.

Submissions (3):

GeneDx
Classification: Uncertain significance. Last evaluated: 2023-05-07. Review status: criteria provided, single submitter. Criteria: GeneDx Variant Classification Process June 2021. Collection method: clinical testing. Allele origin: germline. Affected: yes.
Comment: Not observed at significant frequency in large population cohorts (gnomAD); In silico analysis supports that this missense variant does not alter protein structure/function; Has not been previously published as pathogenic or benign to our knowledge

Labcorp Genetics (formerly Invitae), Labcorp
Classification: Uncertain significance for Developmental and epileptic encephalopathy, 12. Last evaluated: 2022-08-31. Review status: criteria provided, single submitter. Criteria: Invitae Variant Classification Sherloc (09022015). Collection method: clinical testing. Allele origin: germline.
Comment: This sequence change replaces isoleucine, which is neutral and non-polar, with valine, which is neutral and non-polar, at codon 285 of the PNKP protein (p.Ile285Val). This variant is present in population databases (rs750224965, gnomAD 0.007%). This variant has not been reported in the literature in individuals affected with PNKP-related conditions. ClinVar contains an entry for this variant (Variation ID: 199124). Algorithms developed to predict the effect of missense changes on protein structure and function output the following: SIFT: "Tolerated"; PolyPhen-2: "Benign"; Align-GVGD: "Class C0". The valine amino acid residue is found in multiple mammalian species, which suggests that this missense change does not adversely affect protein function. In summary, the available evidence is currently insufficient to determine the role of this variant in disease. Therefore, it has been classified as a Variant of Uncertain Significance.

Eurofins Ntd Llc (ga)
Classification: Uncertain significance. Last evaluated: 2016-02-12. Review status: criteria provided, single submitter. Criteria: EGL Classification Definitions 2015. Collection method: clinical testing. Allele origin: germline. Observed: 2 variant alleles, 2 heterozygotes.

NM_007254.4(PNKP):c.853A>G (p.Ile285Val)

Gene: PNKP (polynucleotide kinase 3'-phosphatase; minus strand). Cytogenetic location: 19q13.33.
Variant type: single nucleotide variant.
Coding change: c.853A>G on transcript NM_007254.4 (MANE Select); coding-DNA position 853, A replaced by G.
Protein change: p.Ile285Val; replaces isoleucine 285 with valine.
Molecular consequence: missense variant.
Genome position (GRCh38, 1-based): chr19:49,862,702, T>C on the plus strand (A>G on the coding strand, the complement: PNKP is on the minus strand). VCF-style: chr19-49862702-T-C. GRCh37 (hg19) VCF-style: chr19-50365959-T-C.
Other names: short protein forms I285V.
Identifiers: ClinVar variation 199124 (VCV000199124.13), dbSNP rs750224965, ClinGen allele CA248154.